The following is an entry in ClinVar:

NM_001065.4(TNFRSF1A):c.552-967A>G

Gene: TNFRSF1A (TNF receptor superfamily member 1A; minus strand). Cytogenetic location: 12p13.31.
Variant type: single nucleotide variant.
Coding change: c.552-967A>G on transcript NM_001065.4 (MANE Select); 967 bases into the intron before coding-DNA position 552, A replaced by G.
Molecular consequence: intron variant. On other transcripts: synonymous variant (1).
Genome position (GRCh38, 1-based): chr12:6,331,893, T>C on the plus strand (A>G on the coding strand, the complement: TNFRSF1A is on the minus strand). VCF-style: chr12-6331893-T-C. GRCh37 (hg19) VCF-style: chr12-6441059-T-C.
Other names: c.75A>G, p.Pro25= (NM_001346092.2); c.228-967A>G (NM_001346091.2).
Identifiers: ClinVar variation 3037047 (VCV003037047.2), dbSNP rs2497794995, ClinGen allele CA383548281.

ClinVar aggregate classification (germline): Likely benign (0 of 4 stars; one submission).

Conditions:
TNFRSF1A-related disorder. Also called: TNFRSF1A-related condition.

Submission:

PreventionGenetics, part of Exact Sciences
Classification: Likely benign for TNFRSF1A-related condition. Last evaluated: 2024-01-18. Review status: no assertion criteria provided. Collection method: clinical testing. Allele origin: germline.
Comment: This variant is classified as likely benign based on ACMG/AMP sequence variant interpretation guidelines (Richards et al. 2015 PMID: 25741868, with internal and published modifications).